The following is an entry in ClinVar:

ClinVar aggregate classification (germline): Uncertain significance. Review status: criteria provided, multiple submitters, no conflicts (2 of 4 stars). 2 submissions from 2 submitters: Uncertain significance (2). Last evaluated 2022-06-24.

Conditions:
Cardiovascular phenotype. Identifiers: MedGen CN230736.

Submissions (2):

Ambry Genetics
Classification: Uncertain significance for Cardiovascular phenotype. Last evaluated: 2022-06-24. Review status: criteria provided, single submitter. Criteria: Ambry Variant Classification Scheme 2023. Collection method: clinical testing. Allele origin: germline.

Women's Health and Genetics/Laboratory Corporation of America, LabCorp
Classification: Uncertain significance. Last evaluated: 2019-03-25. Review status: criteria provided, single submitter. Criteria: LabCorp Variant Classification Summary - May 2015. Collection method: clinical testing. Allele origin: germline.
Comment: Variant summary: TMEM43 c.1019T>G (p.Phe340Cys) results in a non-conservative amino acid change in the encoded protein sequence. Four of five in-silico tools predict a damaging effect of the variant on protein function. The variant was absent in 276292 control chromosomes (gnomAD). The available data on variant occurrences in the general population are insufficient to allow any conclusion about variant significance. To our knowledge, no occurrence of c.1019T>G in individuals affected with Arrhythmia and no experimental evidence demonstrating its impact on protein function have been reported. No clinical diagnostic laboratories have submitted clinical-significance assessments for this variant to ClinVar after 2014. Based on the evidence outlined above, the variant was classified as uncertain significance.

NM_024334.3(TMEM43):c.1019T>G (p.Phe340Cys)

Gene: TMEM43 (transmembrane protein 43; plus strand). Cytogenetic location: 3p25.1.
Variant type: single nucleotide variant.
Coding change: c.1019T>G on transcript NM_024334.3 (MANE Select); coding-DNA position 1019, T replaced by G.
Protein change: p.Phe340Cys; replaces phenylalanine 340 with cysteine.
Molecular consequence: missense variant.
Genome position (GRCh38, 1-based): chr3:14,141,611, T>G. VCF-style: chr3-14141611-T-G. GRCh37 (hg19) VCF-style: chr3-14183111-T-G.
Other names: short protein forms F340C.
Identifiers: ClinVar variation 929119 (VCV000929119.3), dbSNP rs1559363663, ClinGen allele CA351536384.
Genomic context (GRCh38, chr3:14,141,611, plus strand): 5'-TGTAGAGCAGGTGGCACCTCATCACCTTTCTCCTTTCCACAGTGGACTGGTTTCCTGTTT[T>G]CCGAGACCTGGTCAACATTGGCCTGAAAGCCTTTGCCTTCTGTGTGGCCACCTCGCTGAC-3'
Protein context (NP_077310.1, residues 330-350): LYTLVDWFPV[Phe340Cys]RDLVNIGLKA